The following is an entry in ClinVar:

ClinVar aggregate classification (germline): Benign/Likely benign. Review status: criteria provided, multiple submitters, no conflicts (2 of 4 stars). 3 submissions from 3 submitters: Benign (2); Likely benign (1). Last evaluated 2026-04-21.

Conditions:
TBXA2R-related disorder. Also called: TBXA2R-related condition.

Allele frequency attached by ClinVar (database versions not stated): gnomAD exomes 0.00016 and 0.00037; ExAC 0.00040; gnomAD 0.00140 and 0.00149; ESP Exome Variant Server 0.00141; TOPMed 0.00144; 1000 Genomes Project 0.00200; 1000 Genomes Project 30x 0.00203.

Submissions (3):

PreventionGenetics, part of Exact Sciences
Classification: Likely benign for TBXA2R-related condition. Last evaluated: 2026-04-21. Review status: criteria provided, single submitter. Criteria: ACMG Guidelines, 2015. Collection method: clinical testing. Allele origin: germline.
Comment: This variant is classified as likely benign based on ACMG/AMP sequence variant interpretation guidelines (Richards et al. 2015 PMID: 25741868, with internal and published modifications).

Labcorp Genetics (formerly Invitae), Labcorp
Classification: Benign. Last evaluated: 2025-12-03. Review status: criteria provided, single submitter. Criteria: Invitae Variant Classification Sherloc (09022015). Collection method: clinical testing. Allele origin: germline.

Breakthrough Genomics
Classification: Benign. Review status: criteria provided, single submitter. Criteria: ACMG Guidelines, 2015. Collection method: not provided. Allele origin: germline. Inheritance: Autosomal dominant inheritance. Affected: yes.

NM_001060.6(TBXA2R):c.549C>T (p.Cys183=)

Gene: TBXA2R (thromboxane A2 receptor; minus strand). Cytogenetic location: 19p13.3.
Variant type: single nucleotide variant.
Coding change: c.549C>T on transcript NM_001060.6 (MANE Select); coding-DNA position 549, C replaced by T.
Protein change: p.Cys183=; no amino-acid change (cysteine 183 retained).
Molecular consequence: synonymous variant.
Genome position (GRCh38, 1-based): chr19:3,600,086, G>A on the plus strand (C>T on the coding strand, the complement: TBXA2R is on the minus strand). VCF-style: chr19-3600086-G-A. GRCh37 (hg19) VCF-style: chr19-3600084-G-A.
Other names: c.549C>T (NM_201636.2); c.549C>T, p.Cys183= (NM_201636.3).
Identifiers: ClinVar variation 736890 (VCV000736890.10), dbSNP rs201418594, ClinGen allele CA9080833.
Genomic context (GRCh38, chr19:3,600,086, plus strand): 5'-CAGCATGGAGAAGAGCAGCCCGAAGGCCACGTCCCCGGACTCGGCGCCCAGCGTCAGGAA[G>A]CACCAGGACCCCGGGTATTGCACGGTGTAGCGACCCACGCCCAGCAGGGGCAGCAGGCCC-3'
Protein context (NP_001051.1, residues 173-193): RYTVQYPGSW[Cys183=]FLTLGAESGD